The following is an entry in ClinVar:

NM_014425.5(INVS):c.2664T>C (p.Ser888=)

Gene: INVS (inversin; plus strand). Cytogenetic location: 9q31.1.
Variant type: single nucleotide variant.
Coding change: c.2664T>C on transcript NM_014425.5 (MANE Select); coding-DNA position 2664, T replaced by C.
Protein change: p.Ser888=; no amino-acid change (serine 888 retained).
Molecular consequence: synonymous variant. On other transcripts: non-coding transcript variant (1).
Genome position (GRCh38, 1-based): chr9:100,292,921, T>C. VCF-style: chr9-100292921-T-C. GRCh37 (hg19) VCF-style: chr9-103055203-T-C.
Other names: c.2376T>C, p.Ser792= (NM_001318381.2); c.1686T>C, p.Ser562= (NM_001318382.2); c.2664T>C (NM_014425.4).
Identifiers: ClinVar variation 595723 (VCV000595723.18), dbSNP rs1052867, ClinGen allele CA5158671.

ClinVar aggregate classification (germline): Conflicting classifications of pathogenicity. Review status: criteria provided, conflicting classifications (1 of 4 stars). 4 submissions from 4 submitters: Uncertain significance (1); Likely benign (2). 1 of the submissions does not count toward it. Last evaluated 2025-11-30.

Conditions:
INVS-related disorder. Also called: INVS-related condition.
Nephronophthisis. Also called: Juvenile Nephronophthisis. Identifiers: Orphanet 655, MedGen C0687120, MONDO:0019005, HP:0000090.

Allele frequency attached by ClinVar (database versions not stated): gnomAD exomes 0.00006 and 0.00001; gnomAD 0.00021 and 0.00026; ESP Exome Variant Server 0.00031; TOPMed 0.00033; ExAC 0.00006.
gnomAD v4.1: 53 of 1,613,618 alleles (0.0033%); highest among the groups gnomAD compares: African/African-American, 0.068%; no homozygotes.

Submissions (4):

Labcorp Genetics (formerly Invitae), Labcorp
Classification: Likely benign for Nephronophthisis. Last evaluated: 2025-11-30. Review status: criteria provided, single submitter. Criteria: Invitae Variant Classification Sherloc (09022015). Collection method: clinical testing. Allele origin: germline.

Blueprint Genetics
Classification: Likely benign. Last evaluated: 2023-09-05. Review status: criteria provided, single submitter. Criteria: ACMG Guidelines, 2015. Collection method: clinical testing. Allele origin: germline.

Eurofins Ntd Llc (ga)
Classification: Uncertain significance. Last evaluated: 2018-01-09. Review status: criteria provided, single submitter. Criteria: EGL Classification Definitions 2015. Collection method: clinical testing. Allele origin: germline. Observed: 2 variant alleles, 2 heterozygotes.

PreventionGenetics, part of Exact Sciences
Classification: Likely benign for INVS-related condition. Last evaluated: 2022-05-25. Review status: no assertion criteria provided. Collection method: clinical testing. Allele origin: germline. Not counted in ClinVar's aggregate classification.
Comment: This variant is classified as likely benign based on ACMG/AMP sequence variant interpretation guidelines (Richards et al. 2015 PMID: 25741868, with internal and published modifications).